The following is an entry in ClinVar:

NM_002662.5(PLD1):c.884A>C (p.Tyr295Ser)

Gene: PLD1 (phospholipase D1; minus strand). Cytogenetic location: 3q26.31.
Variant type: single nucleotide variant.
Coding change: c.884A>C on transcript NM_002662.5 (MANE Select); coding-DNA position 884, A replaced by C.
Protein change: p.Tyr295Ser; replaces tyrosine 295 with serine.
Molecular consequence: missense variant.
Genome position (GRCh38, 1-based): chr3:171,713,920, T>G on the plus strand (A>C on the coding strand, the complement: PLD1 is on the minus strand). VCF-style: chr3-171713920-T-G. GRCh37 (hg19) VCF-style: chr3-171431710-T-G.
Other names: c.884A>C, p.Tyr295Ser (NM_001130081.3); short protein forms Y295S.
Identifiers: ClinVar variation 5018991 (VCV005018991.2).

ClinVar aggregate classification (germline): Uncertain significance (1 of 4 stars; one submission).

Conditions:
Cardiac valvular defect, developmental (CVDP1). Also called: CARDIAC VALVULAR DYSPLASIA 1. Identifiers: MedGen C5774175, MONDO:0008913, OMIM 212093.

gnomAD v4.1: 4 of 1,613,234 alleles (0.00025%); highest among the groups gnomAD compares: East Asian, 0.0067%; no homozygotes.

Submission:

Juno Genomics, Hangzhou Juno Genomics, Inc
Classification: Uncertain significance for Cardiac valvular defect, developmental. Review status: criteria provided, single submitter. Criteria: ACMG Guidelines, 2015. Collection method: clinical testing. Allele origin: germline.
Comment: Absent from controls (or at extremely low frequency if recessive) in Genome Aggregation Database.